The following is an entry in ClinVar:

NM_004990.4(MARS1):c.1162C>T (p.Arg388Ter)

Gene: MARS1 (methionyl-tRNA synthetase 1; plus strand). Cytogenetic location: 12q13.3.
Variant type: single nucleotide variant.
Coding change: c.1162C>T on transcript NM_004990.4 (MANE Select); coding-DNA position 1162, C replaced by T.
Protein change: p.Arg388Ter; replaces arginine 388 with a stop codon.
Molecular consequence: nonsense.
Genome position (GRCh38, 1-based): chr12:57,500,391, C>T. VCF-style: chr12-57500391-C-T. GRCh37 (hg19) VCF-style: chr12-57894174-C-T.
Other names: short protein forms R388*.
Identifiers: ClinVar variation 1681721 (VCV001681721.6), dbSNP rs754698410, ClinGen allele CA6650434.

ClinVar aggregate classification (germline): Uncertain significance (1 of 4 stars; one submission).

Conditions:
Severe early-onset pulmonary alveolar proteinosis due to MARS deficiency. Also called: PULMONARY ALVEOLAR PROTEINOSIS, REUNION ISLAND; Interstitial lung and liver disease. Identifiers: Orphanet 440427, MedGen C4225400, MONDO:0014206, OMIM 615486.
Charcot-Marie-Tooth disease axonal type 2U. Also called: CHARCOT-MARIE-TOOTH NEUROPATHY, TYPE 2U; CHARCOT-MARIE-TOOTH DISEASE, AXONAL, AUTOSOMAL DOMINANT, TYPE 2U. Identifiers: Orphanet 397735, MedGen C4084821, MONDO:0014566, OMIM 616280.

Allele frequency attached by ClinVar (database versions not stated): gnomAD exomes below 0.00001 and 0.00001; ExAC 0.00002.
gnomAD v4.1: 7 of 1,614,162 alleles (0.00043%); highest among the groups gnomAD compares: Middle Eastern, 0.016%; no homozygotes.

Submission:

Labcorp Genetics (formerly Invitae), Labcorp
Classification: Uncertain significance for Charcot-Marie-Tooth disease axonal type 2U; Severe early-onset pulmonary alveolar proteinosis due to MARS deficiency. Last evaluated: 2021-04-29. Review status: criteria provided, single submitter. Criteria: Invitae Variant Classification Sherloc (09022015). Collection method: clinical testing. Allele origin: germline.
Comment: In summary, the available evidence is currently insufficient to determine the role of this variant in disease. Therefore, it has been classified as a Variant of Uncertain Significance. This variant has not been reported in the literature in individuals with MARS-related conditions. This variant is present in population databases (rs754698410, ExAC 0.003%). This sequence change creates a premature translational stop signal (p.Arg388*) in the MARS gene. It is expected to result in an absent or disrupted protein product. However, the current clinical and genetic evidence is not sufficient to establish whether loss-of-function variants in MARS cause disease.